The following is an entry in ClinVar:

NM_006757.4(TNNT3):c.481-1G>A

Gene: TNNT3 (troponin T3, fast skeletal type; plus strand). Cytogenetic location: 11p15.5.
Variant type: single nucleotide variant.
Coding change: c.481-1G>A on transcript NM_006757.4 (MANE Select); the canonical splice acceptor site of the intron before coding-DNA position 481, G replaced by A.
Molecular consequence: splice acceptor variant.
Genome position (GRCh38, 1-based): chr11:1,934,545, G>A. VCF-style: chr11-1934545-G-A. GRCh37 (hg19) VCF-style: chr11-1955775-G-A.
Other names: c.457-1G>A (NM_001297646.2, NM_001042780.3, NM_001042782.3 and 2 more transcripts); c.514-1G>A (NM_001367846.1); c.490-1G>A (NM_001363561.2, NM_001367847.1); c.475-1G>A (NM_001042781.3, NM_001367843.1, NM_001367842.1); c.478-1G>A (NM_001367848.1); c.424-1G>A (NM_001367850.1); c.277-1G>A (NM_001367851.1, NM_001367852.1); c.469-1G>A (NM_001367849.1).
Identifiers: ClinVar variation 521773 (VCV000521773.13), dbSNP rs769915398, ClinGen allele CA5816516.

ClinVar aggregate classification (germline): Conflicting classifications of pathogenicity. Review status: criteria provided, conflicting classifications (1 of 4 stars). 3 submissions from 3 submitters: Likely pathogenic (1); Uncertain significance (2). Last evaluated 2025-07-29.

Conditions:
Inborn genetic diseases. Identifiers: MedGen C0950123, MeSH D030342.

Allele frequency attached by ClinVar (database versions not stated): ExAC 0.00001; gnomAD exomes 0.00001 and 0.00002.
gnomAD v4.1: 6 of 1,609,096 alleles (0.00037%); highest among the groups gnomAD compares: Admixed American, 0.0067%; no homozygotes.

Submissions (3):

GeneDx
Classification: Uncertain significance. Last evaluated: 2025-07-29. Review status: criteria provided, single submitter. Criteria: GeneDx Variant Classification Process June 2021. Collection method: clinical testing. Allele origin: germline. Affected: yes.
Comment: Canonical splice site variant in a gene or region of a gene for which loss of function is not a well-established mechanism of disease; This variant is associated with the following publications: (PMID: 33977145)

Labcorp Genetics (formerly Invitae), Labcorp
Classification: Uncertain significance. Last evaluated: 2023-06-27. Review status: criteria provided, single submitter. Criteria: Invitae Variant Classification Sherloc (09022015). Collection method: clinical testing. Allele origin: germline.
Comment: Disruption of this splice site has been observed in individual(s) with autosomal recessive congenital myopathy (PMID: 33977145). This variant is present in population databases (rs769915398, gnomAD 0.02%). This sequence change affects an acceptor splice site in intron 12 of the TNNT3 gene. It is expected to disrupt RNA splicing. Variants that disrupt the donor or acceptor splice site typically lead to a loss of protein function (PMID: 16199547), however the current clinical and genetic evidence is not sufficient to establish whether loss-of-function variants in TNNT3 cause disease. In summary, the available evidence is currently insufficient to determine the role of this variant in disease. Therefore, it has been classified as a Variant of Uncertain Significance. ClinVar contains an entry for this variant (Variation ID: 521773). Algorithms developed to predict the effect of sequence changes on RNA splicing suggest that this variant may disrupt the consensus splice site.

Ambry Genetics
Classification: Likely pathogenic for Inborn genetic diseases. Last evaluated: 2017-06-14. Review status: criteria provided, single submitter. Criteria: Ambry exome assertion method (8-5-2015). Collection method: clinical testing. Allele origin: germline. Affected: yes. Observed: 1 variant allele.

Literature cited by the submitters: PubMed 33977145 (cited by Labcorp Genetics (formerly Invitae), Labcorp); PubMed 16199547 (cited by Labcorp Genetics (formerly Invitae), Labcorp).